The following is an entry in ClinVar:

ClinVar aggregate classification (germline): Uncertain significance (1 of 4 stars; one submission).

Allele frequency attached by ClinVar (database versions not stated): gnomAD exomes below 0.00001; ExAC 0.00001.
gnomAD v4.1: 4 of 1,613,576 alleles (0.00025%); highest among the groups gnomAD compares: East Asian, 0.0089%; no homozygotes.

Submission:

Labcorp Genetics (formerly Invitae), Labcorp
Classification: Uncertain significance. Last evaluated: 2022-06-29. Review status: criteria provided, single submitter. Criteria: Invitae Variant Classification Sherloc (09022015). Collection method: clinical testing. Allele origin: germline.
Comment: This variant has not been reported in the literature in individuals affected with HMCN1-related conditions. In summary, the available evidence is currently insufficient to determine the role of this variant in disease. Therefore, it has been classified as a Variant of Uncertain Significance. Algorithms developed to predict the effect of missense changes on protein structure and function are either unavailable or do not agree on the potential impact of this missense change (SIFT: "Deleterious"; PolyPhen-2: "Probably Damaging"; Align-GVGD: "Class C0"). This variant is present in population databases (rs779373213, gnomAD 0.006%). This sequence change replaces tryptophan, which is neutral and slightly polar, with cysteine, which is neutral and slightly polar, at codon 236 of the HMCN1 protein (p.Trp236Cys).

NM_031935.3(HMCN1):c.708G>C (p.Trp236Cys)

Gene: HMCN1 (hemicentin 1; plus strand). Cytogenetic location: 1q31.1.
Variant type: single nucleotide variant.
Coding change: c.708G>C on transcript NM_031935.3 (MANE Select); coding-DNA position 708, G replaced by C.
Protein change: p.Trp236Cys; replaces tryptophan 236 with cysteine.
Molecular consequence: missense variant.
Genome position (GRCh38, 1-based): chr1:185,909,423, G>C. VCF-style: chr1-185909423-G-C. GRCh37 (hg19) VCF-style: chr1-185878555-G-C.
Other names: short protein forms W236C.
Identifiers: ClinVar variation 2133132 (VCV002133132.4), dbSNP rs779373213, ClinGen allele CA1290923.